The following is an entry in ClinVar:

ClinVar aggregate classification (germline): Conflicting classifications of pathogenicity. Review status: criteria provided, conflicting classifications (1 of 4 stars). 5 submissions from 5 submitters: Uncertain significance (4); Likely benign (1). Last evaluated 2025-12-03.

Conditions:
Hereditary cancer-predisposing syndrome. Also called: Hereditary neoplastic syndrome; Neoplastic Syndromes, Hereditary; Tumor predisposition; Hereditary Cancer Syndrome. Identifiers: Orphanet 140162, MedGen C0027672, MeSH D009386, MONDO:0015356.
Familial cancer of breast. Also called: BREAST CANCER, FAMILIAL; Hereditary breast cancer; hereditary breast carcinoma. Identifiers: Orphanet 227535, MedGen C0346153, MONDO:0016419, OMIM 114480. Disease mechanism: loss of function.
Ataxia-telangiectasia syndrome (AT). Also called: LOUIS-BAR SYNDROME; Cerebello-oculocutaneous telangiectasia; Immunodeficiency with ataxia telangiectasia; AT, COMPLEMENTATION GROUP C; Ataxia-telangiectasia, complementation group D; ATAXIA-TELANGIECTASIA, COMPLEMENTATION GROUP A. Identifiers: Orphanet 100, MedGen C0004135, MONDO:0008840, OMIM 208900.

Allele frequency attached by ClinVar (database versions not stated): gnomAD exomes below 0.00001 and 0.00001; TOPMed below 0.00001; gnomAD 0.00001.
gnomAD v4.1: 3 of 1,613,602 alleles (0.00019%); highest among the groups gnomAD compares: Admixed American, 0.0017%; no homozygotes.

Submissions (5):

Labcorp Genetics (formerly Invitae), Labcorp
Classification: Uncertain significance for Ataxia-telangiectasia syndrome. Last evaluated: 2025-12-03. Review status: criteria provided, single submitter. Criteria: Invitae Variant Classification Sherloc (09022015). Collection method: clinical testing. Allele origin: germline.
Comment: This sequence change falls in intron 31 of the ATM gene. It does not directly change the encoded amino acid sequence of the ATM protein. It affects a nucleotide within the consensus splice site. This variant is present in population databases (no rsID available, gnomAD 0.003%). This variant has not been reported in the literature in individuals affected with ATM-related conditions. ClinVar contains an entry for this variant (Variation ID: 481319). Variants that disrupt the consensus splice site are a relatively common cause of aberrant splicing (PMID: 17576681, 9536098). Algorithms developed to predict the effect of sequence changes on RNA splicing suggest that this variant is not likely to affect RNA splicing. In summary, the available evidence is currently insufficient to determine the role of this variant in disease. Therefore, it has been classified as a Variant of Uncertain Significance.

Mayo Clinic Laboratories, Mayo Clinic
Classification: Uncertain significance. Last evaluated: 2025-01-08. Review status: criteria provided, single submitter. Criteria: ACMG Guidelines, 2015. Collection method: clinical testing. Allele origin: germline. Observed: 1 variant allele.
Comment: BP4, PM2_supporting

Myriad Genetics, Inc.
Classification: Likely benign for Familial cancer of breast. Last evaluated: 2024-05-21. Review status: criteria provided, single submitter. Criteria: Myriad Autosomal Dominant, Autosomal Recessive and X-Linked Classification Criteria (2023). Collection method: clinical testing. Allele origin: unknown.
Comment: This variant is considered likely benign. This variant is intronic and is not expected to impact mRNA splicing.

Color Diagnostics, LLC DBA Color Health
Classification: Uncertain significance for Hereditary cancer-predisposing syndrome. Last evaluated: 2024-04-30. Review status: criteria provided, single submitter. Criteria: ACMG Guidelines, 2015. Collection method: clinical testing. Allele origin: germline.
Comment: This variant causes a T to C nucleotide substitution at the -3 position of intron 31 of the ATM gene. Splice site prediction tools suggest that this variant may not impact RNA splicing, although this prediction has not been confirmed in published RNA studies. To our knowledge, this variant has not been reported in individuals affected with hereditary cancer in the literature. This variant has been identified in 2/251214 chromosomes in the general population by the Genome Aggregation Database (gnomAD). The available evidence is insufficient to determine the role of this variant in disease conclusively. Therefore, this variant is classified as a Variant of Uncertain Significance.

Ambry Genetics
Classification: Uncertain significance for Hereditary cancer-predisposing syndrome. Last evaluated: 2023-08-14. Review status: criteria provided, single submitter. Criteria: Ambry Variant Classification Scheme 2023. Collection method: clinical testing. Allele origin: germline.
Comment: The c.4777-3T>C intronic variant results from a T to C substitution 3 nucleotides upstream from coding exon 31 in the ATM gene. This nucleotide position is not well conserved in available vertebrate species. In silico splice site analysis for this alteration is inconclusive and direct evidence is insufficient at this time (Ambry internal data). Since supporting evidence is limited at this time, the clinical significance of this alteration remains unclear.

Literature cited by the submitters: PubMed 17576681 (cited by Labcorp Genetics (formerly Invitae), Labcorp); PubMed 9536098 (cited by Labcorp Genetics (formerly Invitae), Labcorp).

NM_000051.4(ATM):c.4777-3T>C

Gene: ATM (ATM serine/threonine kinase; plus strand). Cytogenetic location: 11q22.3.
Variant type: single nucleotide variant.
Coding change: c.4777-3T>C on transcript NM_000051.4 (MANE Select); 3 bases into the intron before coding-DNA position 4777, T replaced by C.
Molecular consequence: intron variant.
Genome position (GRCh38, 1-based): chr11:108,294,924, T>C. VCF-style: chr11-108294924-T-C. GRCh37 (hg19) VCF-style: chr11-108165651-T-C.
Other names: p.?; c.4777-3T>C (NM_001351834.2).
Identifiers: ClinVar variation 481319 (VCV000481319.16), dbSNP rs1468242174, ClinGen allele CA601721465.